The following is an entry in ClinVar:

ClinVar aggregate classification (germline): Pathogenic (1 of 4 stars; one submission).

Conditions:
Alagille syndrome due to a JAG1 point mutation. Also called: JAG1-Related Alagille Syndrome; HEPATIC DUCTULAR HYPOPLASIA, SYNDROMATIC; Alagille Syndrome 1. Identifiers: Orphanet 261619, Orphanet 52, MedGen C1956125, MONDO:0016862, OMIM 118450.

Submission:

Labcorp Genetics (formerly Invitae), Labcorp
Classification: Pathogenic for Alagille syndrome due to a JAG1 point mutation. Last evaluated: 2016-12-21. Review status: criteria provided, single submitter. Criteria: Invitae Variant Classification Sherloc (09022015). Collection method: clinical testing. Allele origin: germline.
Comment: This sequence change creates a premature translational stop signal at codon 181 (p.Tyr181*) of the JAG1 gene. It is expected to result in an absent or disrupted protein product. While this particular variant has not been reported in the literature, loss-of-function variants in JAG1 are known to be pathogenic (PMID: 11180599, 12497640). For these reasons, this variant has been classified as Pathogenic.

Literature cited by the submitters: PubMed 11180599; PubMed 12497640.

NM_000214.3(JAG1):c.543T>A (p.Tyr181Ter)

Gene: JAG1 (jagged canonical Notch ligand 1; minus strand). Cytogenetic location: 20p12.2.
Variant type: single nucleotide variant.
Coding change: c.543T>A on transcript NM_000214.3 (MANE Select); coding-DNA position 543, T replaced by A.
Protein change: p.Tyr181Ter; replaces tyrosine 181 with a stop codon.
Molecular consequence: nonsense.
Genome position (GRCh38, 1-based): chr20:10,658,619, A>T on the plus strand (T>A on the coding strand, the complement: JAG1 is on the minus strand). VCF-style: chr20-10658619-A-T. GRCh37 (hg19) VCF-style: chr20-10639267-A-T.
Other names: c.543T>A, p.Tyr181Ter (LRG_1191t1); short protein forms Y181*.
Identifiers: ClinVar variation 406873 (VCV000406873.8), dbSNP rs1060501351, ClinGen allele CA16616456.
Genomic context (GRCh38, chr20:10,658,619, plus strand): 5'-GCGGCAGAACTTATTGCAGCCAAAGCCATAGTAGTAGTCATCACAGGTCACGCGGATCTG[A>T]TACTCAAAGTGGGCAACGCCCGTGTTCTGCTTCAGCGTCTGCCACTGCCGGCTGGGGTTG-3'